The following is an entry in ClinVar:

ClinVar aggregate classification (germline): Uncertain significance (1 of 4 stars; one submission).

Submission:

Labcorp Genetics (formerly Invitae), Labcorp
Classification: Uncertain significance. Last evaluated: 2022-06-13. Review status: criteria provided, single submitter. Criteria: Invitae Variant Classification Sherloc (09022015). Collection method: clinical testing. Allele origin: germline.
Comment: This sequence change replaces tyrosine, which is neutral and polar, with cysteine, which is neutral and slightly polar, at codon 525 of the PCDH12 protein (p.Tyr525Cys). In summary, the available evidence is currently insufficient to determine the role of this variant in disease. Therefore, it has been classified as a Variant of Uncertain Significance. Advanced modeling of protein sequence and biophysical properties (such as structural, functional, and spatial information, amino acid conservation, physicochemical variation, residue mobility, and thermodynamic stability) performed at Invitae indicates that this missense variant is not expected to disrupt PCDH12 protein function. This variant has not been reported in the literature in individuals affected with PCDH12-related conditions. This variant is not present in population databases (gnomAD no frequency).

NM_016580.4(PCDH12):c.1574A>G (p.Tyr525Cys)

Genes: PCDH12 (protocadherin 12; minus strand), RNF14 (ring finger protein 14; plus strand). Cytogenetic location: 5q31.3.
Variant type: single nucleotide variant.
Coding change: c.1574A>G on transcript NM_016580.4 (MANE Select); coding-DNA position 1574, A replaced by G.
Protein change: p.Tyr525Cys; replaces tyrosine 525 with cysteine.
Molecular consequence: missense variant.
Genome position (GRCh38, 1-based): chr5:141,956,278, T>C on the plus strand (A>G on the coding strand, the complement: PCDH12 is on the minus strand). VCF-style: chr5-141956278-T-C. GRCh37 (hg19) VCF-style: chr5-141335843-T-C.
Other names: short protein forms Y525C.
Identifiers: ClinVar variation 2002652 (VCV002002652.4), dbSNP rs2532554636, ClinGen allele CA361583322.